The following is an entry in ClinVar:

ClinVar aggregate classification (germline): Uncertain significance (1 of 4 stars; one submission).

Conditions:
Achondrogenesis, type IA (ACG1A). Identifiers: Orphanet 932, Orphanet 93299, MedGen C0265273, MONDO:0008701, OMIM 200600.

Allele frequency attached by ClinVar (database versions not stated): gnomAD 0.00001; TOPMed 0.00002; gnomAD exomes 0.00003.
gnomAD v4.1: 47 of 1,613,944 alleles (0.0029%); highest among the groups gnomAD compares: Non-Finnish European, 0.0039%; no homozygotes.

Submission:

Labcorp Genetics (formerly Invitae), Labcorp
Classification: Uncertain significance for Achondrogenesis, type IA. Last evaluated: 2022-07-22. Review status: criteria provided, single submitter. Criteria: Invitae Variant Classification Sherloc (09022015). Collection method: clinical testing. Allele origin: germline.
Comment: In summary, the available evidence is currently insufficient to determine the role of this variant in disease. Therefore, it has been classified as a Variant of Uncertain Significance. Algorithms developed to predict the effect of missense changes on protein structure and function are either unavailable or do not agree on the potential impact of this missense change (SIFT: "Not Available"; PolyPhen-2: "Probably Damaging"; Align-GVGD: "Not Available"). This variant has not been reported in the literature in individuals affected with TRIP11-related conditions. This variant is present in population databases (no rsID available, gnomAD 0.002%). This sequence change replaces glutamine, which is neutral and polar, with arginine, which is basic and polar, at codon 1536 of the TRIP11 protein (p.Gln1536Arg).

NM_004239.4(TRIP11):c.4607A>G (p.Gln1536Arg)

Gene: TRIP11 (thyroid hormone receptor interactor 11; minus strand). Cytogenetic location: 14q32.12.
Variant type: single nucleotide variant.
Coding change: c.4607A>G on transcript NM_004239.4 (MANE Select); coding-DNA position 4607, A replaced by G.
Protein change: p.Gln1536Arg; replaces glutamine 1536 with arginine.
Molecular consequence: missense variant.
Genome position (GRCh38, 1-based): chr14:92,000,059, T>C on the plus strand (A>G on the coding strand, the complement: TRIP11 is on the minus strand). VCF-style: chr14-92000059-T-C. GRCh37 (hg19) VCF-style: chr14-92466403-T-C.
Other names: c.4604A>G, p.Gln1535Arg (NM_001321851.1); short protein forms Q1536R, Q1535R.
Identifiers: ClinVar variation 2064020 (VCV002064020.3), dbSNP rs973541502, ClinGen allele CA265604453.